The following is an entry in ClinVar:

ClinVar aggregate classification (germline): Likely benign (1 of 4 stars; one submission).

Allele frequency attached by ClinVar (database versions not stated): TOPMed 0.00003; ExAC 0.00006.
gnomAD v4.1: 76 of 1,613,264 alleles (0.0047%); highest among the groups gnomAD compares: East Asian, 0.049%; no homozygotes.

Submission:

CeGaT Center for Human Genetics Tuebingen
Classification: Likely benign. Last evaluated: 2022-03-01. Review status: criteria provided, single submitter. Criteria: CeGaT Center For Human Genetics Tuebingen Variant Classification Criteria Version 2. Collection method: clinical testing. Allele origin: germline. Affected: yes. Observed: 1 variant allele.
Comment: NT5DC2: BP4, BP7

NM_001134231.2(NT5DC2):c.678G>A (p.Ser226=)

Gene: NT5DC2 (5'-nucleotidase domain containing 2; minus strand). Cytogenetic location: 3p21.1.
Variant type: single nucleotide variant.
Coding change: c.678G>A on transcript NM_001134231.2 (MANE Select); coding-DNA position 678, G replaced by A.
Protein change: p.Ser226=; no amino-acid change (serine 226 retained).
Molecular consequence: synonymous variant.
Genome position (GRCh38, 1-based): chr3:52,528,276, C>T on the plus strand (G>A on the coding strand, the complement: NT5DC2 is on the minus strand). VCF-style: chr3-52528276-C-T. GRCh37 (hg19) VCF-style: chr3-52562292-C-T.
Other names: c.567G>A, p.Ser189= (NM_022908.3).
Identifiers: ClinVar variation 2653897 (VCV002653897.24), dbSNP rs749231831, ClinGen allele CA2443544.
Genomic context (GRCh38, chr3:52,528,276, plus strand): 5'-CTCCAGGCTGTGGCCCAGAAAGTAGTCCACCACACAGGACAGCAGAGCCATCTCCGGTAG[C>T]GAGAAGATGTCCATGAACTGCTTAATGGAGGGACCCTGGGGAGGGGGCCATTGTCTCAGA-3'
Protein context (NP_001127703.1, residues 216-236): PSIKQFMDIF[Ser226=]LPEMALLSCV